The following is an entry in ClinVar:

NM_145290.4(ADGRA3):c.3586A>G (p.Thr1196Ala)

Gene: ADGRA3 (adhesion G protein-coupled receptor A3; minus strand). Cytogenetic location: 4p15.2.
Variant type: single nucleotide variant.
Coding change: c.3586A>G on transcript NM_145290.4 (MANE Select); coding-DNA position 3586, A replaced by G.
Protein change: p.Thr1196Ala; replaces threonine 1196 with alanine.
Molecular consequence: missense variant.
Genome position (GRCh38, 1-based): chr4:22,388,085, T>C on the plus strand (A>G on the coding strand, the complement: ADGRA3 is on the minus strand). VCF-style: chr4-22388085-T-C. GRCh37 (hg19) VCF-style: chr4-22389708-T-C.
Other names: short protein forms T1196A.
Identifiers: ClinVar variation 862953 (VCV000862953.9), dbSNP rs763375816, ClinGen allele CA356472118.

ClinVar aggregate classification (germline): Uncertain significance (1 of 4 stars; one submission).

Submission:

Labcorp Genetics (formerly Invitae), Labcorp
Classification: Uncertain significance. Last evaluated: 2022-03-12. Review status: criteria provided, single submitter. Criteria: Invitae Variant Classification Sherloc (09022015). Collection method: clinical testing. Allele origin: germline.
Comment: Algorithms developed to predict the effect of missense changes on protein structure and function are either unavailable or do not agree on the potential impact of this missense change (SIFT: "Tolerated"; PolyPhen-2: "Probably Damaging"; Align-GVGD: "Class C0"). Algorithms developed to predict the effect of sequence changes on RNA splicing suggest that this variant may create or strengthen a splice site. In summary, the available evidence is currently insufficient to determine the role of this variant in disease. Therefore, it has been classified as a Variant of Uncertain Significance. This sequence change replaces threonine, which is neutral and polar, with alanine, which is neutral and non-polar, at codon 1196 of the ADGRA3 protein (p.Thr1196Ala). This variant is not present in population databases (gnomAD no frequency). This variant has not been reported in the literature in individuals affected with ADGRA3-related conditions. ClinVar contains an entry for this variant (Variation ID: 862953).